The following is an entry in ClinVar:

NM_001256545.2(MEGF10):c.3415_3417dup (p.Ser1139dup)

Gene: MEGF10 (multiple EGF like domains 10; plus strand). Cytogenetic location: 5q23.2.
Variant type: Duplication.
Coding change: c.3415_3417dup on transcript NM_001256545.2 (MANE Select); coding-DNA positions 3415 to 3417, 3 bases duplicated (AGT; older notation c.3415_3417dupAGT).
Protein change: p.Ser1139dup; duplicates serine 1139.
Molecular consequence: inframe insertion.
Genome position (GRCh38, 1-based): chr5:127,457,310-127,457,312, AGT duplicated. VCF-style (leftmost placement, unchanged base first): chr5-127457309-C-CAGT. GRCh37 (hg19) VCF-style: chr5-126793001-C-CAGT.
Other names: c.3415_3417dup, p.Ser1139dup (NM_032446.3).
Identifiers: ClinVar variation 1327291 (VCV001327291.2), dbSNP rs2127049632, ClinGen allele CA2573052410.

ClinVar aggregate classification (germline): Uncertain significance (1 of 4 stars; one submission).

Submission:

GeneDx
Classification: Uncertain significance. Last evaluated: 2021-06-04. Review status: criteria provided, single submitter. Criteria: GeneDx Variant Classification Process June 2021. Collection method: clinical testing. Allele origin: germline. Affected: yes.
Comment: Not observed at significant frequency in large population cohorts (Lek et al., 2016); In-frame insertion of 1 amino acid in a non-repeat region; Has not been previously published as pathogenic or benign to our knowledge; This variant is associated with the following publications: (PMID: 27535533)